The following is an entry in ClinVar:

NM_032634.4(PIGO):c.2004G>A (p.Leu668=)

Gene: PIGO (phosphatidylinositol glycan anchor biosynthesis class O; minus strand). Cytogenetic location: 9p13.3.
Variant type: single nucleotide variant.
Coding change: c.2004G>A on transcript NM_032634.4 (MANE Select); coding-DNA position 2004, G replaced by A.
Protein change: p.Leu668=; no amino-acid change (leucine 668 retained).
Molecular consequence: synonymous variant. On other transcripts: intron variant (2).
Genome position (GRCh38, 1-based): chr9:35,091,883, C>T on the plus strand (G>A on the coding strand, the complement: PIGO is on the minus strand). VCF-style: chr9-35091883-C-T. GRCh37 (hg19) VCF-style: chr9-35091880-C-T.
Other names: p.Leu668=; c.1345-592G>A (NM_152850.4, NM_001201484.2).
Identifiers: ClinVar variation 198601 (VCV000198601.22), dbSNP rs10814196, ClinGen allele CA203518.

ClinVar aggregate classification (germline): Benign. Review status: criteria provided, multiple submitters, no conflicts (2 of 4 stars). 9 submissions from 9 submitters: Benign (9). Last evaluated 2026-02-03.

Conditions:
Hyperphosphatasia with impaired intellectual development syndrome 2. Also called: GLYCOSYLPHOSPHATIDYLINOSITOL BIOSYNTHESIS DEFECT 6; Hyperphosphatasia with intellectual disability syndrome 2. Identifiers: Orphanet 247262, MedGen C3553637, MONDO:0013882, OMIM 614749.

Allele frequency attached by ClinVar (database versions not stated): gnomAD 0.19210 and 0.19355; 1000 Genomes Project 30x 0.19269; 1000 Genomes Project 0.19589; TOPMed 0.19752; ESP Exome Variant Server 0.19860.
gnomAD v4.1: 341,134 of 1,614,058 alleles (21%); highest among the groups gnomAD compares: South Asian, 27%; 37,696 homozygotes.

Submissions (9):

Labcorp Genetics (formerly Invitae), Labcorp
Classification: Benign for Hyperphosphatasia with impaired intellectual development syndrome 2. Last evaluated: 2026-02-03. Review status: criteria provided, single submitter. Criteria: Invitae Variant Classification Sherloc (09022015). Collection method: clinical testing. Allele origin: germline.

Genome-Nilou Lab
Classification: Benign for Hyperphosphatasia with impaired intellectual development syndrome 2. Last evaluated: 2021-09-05. Review status: criteria provided, single submitter. Criteria: ACMG Guidelines, 2015. Collection method: clinical testing. Allele origin: germline. Affected: no.

Mayo Clinic Laboratories, Mayo Clinic
Classification: Benign. Last evaluated: 2018-04-02. Review status: criteria provided, single submitter. Criteria: ACMG Guidelines, 2015. Collection method: clinical testing. Allele origin: germline. Observed: 224 variant alleles.

Illumina Laboratory Services, Illumina
Classification: Benign for Hyperphosphatasia with impaired intellectual development syndrome 2. Last evaluated: 2018-01-13. Review status: criteria provided, single submitter. Criteria: ICSL Variant Classification Criteria 13 December 2019. Collection method: clinical testing. Allele origin: germline.
Comment: This variant was observed in the ICSL laboratory as part of a predisposition screen in an ostensibly healthy population. It had not been previously curated by ICSL or reported in the Human Gene Mutation Database (HGMD: prior to June 1st, 2018), and was therefore a candidate for classification through an automated scoring system. Utilizing variant allele frequency, disease prevalence and penetrance estimates, and inheritance mode, an automated score was calculated to assess if this variant is too frequent to cause the disease. Based on the score and internal cut-off values, a variant classified as benign is not then subjected to further curation. The score for this variant resulted in a classification of benign for this disease.

Athena Diagnostics
Classification: Benign. Last evaluated: 2017-04-20. Review status: criteria provided, single submitter. Criteria: Athena Diagnostics Criteria. Collection method: clinical testing. Allele origin: germline.

GeneDx
Classification: Benign. Last evaluated: 2016-01-05. Review status: criteria provided, single submitter. Criteria: GeneDx Variant Classification (06012015). Collection method: clinical testing. Allele origin: germline. Affected: yes.
Comment: This variant is considered likely benign or benign based on one or more of the following criteria: it is a conservative change, it occurs at a poorly conserved position in the protein, it is predicted to be benign by multiple in silico algorithms, and/or has population frequency not consistent with disease.

Eurofins Ntd Llc (ga)
Classification: Benign. Last evaluated: 2014-08-23. Review status: criteria provided, single submitter. Criteria: EGL Classification Definitions 2015. Collection method: clinical testing. Allele origin: germline. Observed: 1 variant allele, 1 homozygote.

Breakthrough Genomics
Classification: Benign. Review status: criteria provided, single submitter. Criteria: ACMG Guidelines, 2015. Collection method: not provided. Allele origin: germline. Inheritance: Autosomal recessive inheritance. Affected: yes.

PreventionGenetics, part of Exact Sciences
Classification: Benign. Review status: criteria provided, single submitter. Criteria: ACMG Guidelines, 2015. Collection method: clinical testing. Allele origin: germline.